The following is an entry in ClinVar:

NM_001374736.1(DST):c.5008A>G (p.Thr1670Ala)

Gene: DST (dystonin; minus strand). Cytogenetic location: 6p12.1.
Variant type: single nucleotide variant.
Coding change: c.5008A>G on transcript NM_001374736.1 (MANE Select); coding-DNA position 5008, A replaced by G.
Protein change: p.Thr1670Ala; replaces threonine 1670 with alanine.
Molecular consequence: missense variant.
Genome position (GRCh38, 1-based): chr6:56,614,406, T>C on the plus strand (A>G on the coding strand, the complement: DST is on the minus strand). VCF-style: chr6-56614406-T-C. GRCh37 (hg19) VCF-style: chr6-56479204-T-C.
Other names: c.4909A>G, p.Thr1637Ala (NM_001144769.5); c.4495A>G, p.Thr1499Ala (NM_001144770.2); c.5008A>G, p.Thr1670Ala (NM_001374722.1); c.4375A>G, p.Thr1459Ala (NM_001374729.1, NM_001374730.1, NM_001386100.1 and 1 more transcripts); c.5035A>G, p.Thr1679Ala (NM_001374734.1); c.3397A>G, p.Thr1133Ala (NM_015548.5); short protein forms T1637A, T1670A, T1679A, T1133A, T1459A, T1499A.
Identifiers: ClinVar variation 2943891 (VCV002943891.3), dbSNP rs2536548973, ClinGen allele CA364561699.
Genomic context (GRCh38, chr6:56,614,406, plus strand): 5'-CTGTGAATACCTTTTGCTTAGAGAAGGGAGGTTTTCCAGCCTTCTCTGCATCTTTCAATG[T>C]CTTGCTGATATTTGATACCCATTTTTGCAATTCTTTGGCTTTTTCAACATGTTCTTTCTT-3'
Protein context (NP_001361665.1, residues 1660-1680): LQKWVSNISK[Thr1670Ala]LKDAEKAGKP

ClinVar aggregate classification (germline): Uncertain significance (1 of 4 stars; one submission).

Conditions:
Epidermolysis bullosa simplex 3, localized or generalized intermediate, with BP230 deficiency (EBS3). Also called: Epidermolysis bullosa simplex, autosomal recessive 2; Epidermolysis bullosa simplex due to BP230 deficiency. Identifiers: Orphanet 412181, MedGen C3809470, MONDO:0014180, OMIM 615425.
Hereditary sensory and autonomic neuropathy type 6. Also called: HSAN VI; Neuropathy, hereditary sensory and autonomic, type VI. Identifiers: Orphanet 314381, MedGen C3539003, MONDO:0013839, OMIM 614653.

Submission:

Labcorp Genetics (formerly Invitae), Labcorp
Classification: Uncertain significance for Epidermolysis bullosa simplex 3, localized or generalized intermediate, with BP230 deficiency; Hereditary sensory and autonomic neuropathy type 6. Last evaluated: 2023-02-03. Review status: criteria provided, single submitter. Criteria: Invitae Variant Classification Sherloc (09022015). Collection method: clinical testing. Allele origin: germline.
Comment: Experimental studies and prediction algorithms are not available or were not evaluated, and the functional significance of this variant is currently unknown. In summary, the available evidence is currently insufficient to determine the role of this variant in disease. Therefore, it has been classified as a Variant of Uncertain Significance. This variant has not been reported in the literature in individuals affected with DST-related conditions. The DST gene has multiple clinically relevant transcripts. This variant occurs in alternate transcript NM_015548.4, and corresponds to NM_001723.5:c.*1111A>G in the primary transcript. This sequence change replaces threonine, which is neutral and polar, with alanine, which is neutral and non-polar, at codon 1133 of the DST protein (p.Thr1133Ala). This variant is not present in population databases (gnomAD no frequency).